The following is an entry in ClinVar:

NM_001167.4(XIAP):c.*2682T>G

Gene: XIAP (X-linked inhibitor of apoptosis; plus strand). Cytogenetic location: Xq25.
Variant type: single nucleotide variant.
Coding change: c.*2682T>G on transcript NM_001167.4 (MANE Select); 2682 bases downstream of the stop codon, T replaced by G.
Molecular consequence: 3 prime UTR variant. On other transcripts: non-coding transcript variant (2).
Genome position (GRCh38, 1-based): chrX:123,909,863, T>G. VCF-style: chrX-123909863-T-G. GRCh37 (hg19) VCF-style: chrX-123043713-T-G.
Other names: c.*2682T>G (NM_001204401.2, NM_001378590.1, NM_001378591.1 and 1 more transcripts).
Identifiers: ClinVar variation 367814 (VCV000367814.5), dbSNP rs191855689, ClinGen allele CA10508286.
Genomic context (GRCh38, chrX:123,909,863, plus strand): 5'-GTTCTTAAAATCACTCAGCACTCCAACTTCTAATCAAATTTTTGGAGACTTAACAGCATT[T>G]GTCTGTGTTTGAACTATAAAAAGCACCGGATCTTTTCCATCTAATTCCGCAAAAATTGAT-3'

ClinVar aggregate classification (germline): Benign (1 of 4 stars; one submission).

Conditions:
X-linked lymphoproliferative disease due to XIAP deficiency. Also called: XIAP DEFICIENCY; XIAP-Related Lymphoproliferative Disease, X-Linked. Identifiers: Orphanet 2442, Orphanet 538934, MedGen C1845076, MONDO:0010385, OMIM 300635.

Allele frequency attached by ClinVar (database versions not stated): ExAC 0.00012; gnomAD exomes 0.00027 and 0.00082; gnomAD 0.00030 and 0.00037; TOPMed 0.00041; 1000 Genomes Project 30x 0.00229; 1000 Genomes Project 0.00238.
gnomAD v4.1: 120 of 328,151 alleles (0.037%); highest among the groups gnomAD compares: East Asian, 0.86%; 1 homozygote.

Submission:

Illumina Laboratory Services, Illumina
Classification: Benign for X-linked lymphoproliferative disease due to XIAP deficiency. Last evaluated: 2018-01-13. Review status: criteria provided, single submitter. Criteria: ICSL Variant Classification Criteria 13 December 2019. Collection method: clinical testing. Allele origin: germline.
Comment: This variant was observed in the ICSL laboratory as part of a predisposition screen in an ostensibly healthy population. It had not been previously curated by ICSL or reported in the Human Gene Mutation Database (HGMD: prior to June 1st, 2018), and was therefore a candidate for classification through an automated scoring system. Utilizing variant allele frequency, disease prevalence and penetrance estimates, and inheritance mode, an automated score was calculated to assess if this variant is too frequent to cause the disease. Based on the score and internal cut-off values, a variant classified as benign is not then subjected to further curation. The score for this variant resulted in a classification of benign for this disease.